The following is an entry in ClinVar:

ClinVar aggregate classification (germline): Uncertain significance (1 of 4 stars; one submission).

Submission:

GeneDx
Classification: Uncertain significance. Last evaluated: 2022-04-06. Review status: criteria provided, single submitter. Criteria: GeneDx Variant Classification Process June 2021. Collection method: clinical testing. Allele origin: germline. Affected: yes.
Comment: Frameshift variant predicted to result in protein truncation as the last 25 amino acids are replaced with 2 different amino acids, although loss-of-function variants have not been reported downstream of this position in the protein; Not observed at significant frequency in large population cohorts (gnomAD); Has not been previously published as pathogenic or benign to our knowledge

NM_020928.2(ZSWIM6):c.3571_3572del (p.Gln1191fs)

Gene: ZSWIM6 (zinc finger SWIM-type containing 6; plus strand). Cytogenetic location: 5q12.1.
Variant type: Microsatellite.
Coding change: c.3571_3572del on transcript NM_020928.2 (MANE Select); coding-DNA positions 3571 to 3572, 2 bases deleted (CA; older notation c.3571_3572delCA).
Protein change: p.Gln1191fs; shifts the reading frame from glutamine 1191.
Molecular consequence: frameshift variant.
Genome position (GRCh38, 1-based): chr5:61,544,240-61,544,241, CA deleted; deleting any 2 consecutive bases within chr5:61,544,237-61,544,241 gives the same sequence; the c. name uses the placement nearest the transcript's 3' end. VCF-style (leftmost placement, unchanged base first): chr5-61544236-TAC-T. GRCh37 (hg19) VCF-style: chr5-60840063-TAC-T.
Other names: short protein forms Q1191fs.
Identifiers: ClinVar variation 1711964 (VCV001711964.2), dbSNP rs2478410077, ClinGen allele CA2580613565.